The following is an entry in ClinVar:

ClinVar aggregate classification (germline): Uncertain significance (1 of 4 stars; one submission).

Allele frequency attached by ClinVar (database versions not stated): gnomAD exomes below 0.00001; ExAC 0.00001; gnomAD 0.00001.
gnomAD v4.1: 7 of 1,613,268 alleles (0.00043%); highest among the groups gnomAD compares: Admixed American, 0.0017%; no homozygotes.

Submission:

Labcorp Genetics (formerly Invitae), Labcorp
Classification: Uncertain significance. Last evaluated: 2025-12-20. Review status: criteria provided, single submitter. Criteria: Invitae Variant Classification Sherloc (09022015). Collection method: clinical testing. Allele origin: germline.
Comment: This sequence change replaces aspartic acid, which is acidic and polar, with asparagine, which is neutral and polar, at codon 970 of the COL7A1 protein (p.Asp970Asn). This variant is present in population databases (rs774354465, gnomAD 0.0009%). This variant has not been reported in the literature in individuals affected with COL7A1-related conditions. ClinVar contains an entry for this variant (Variation ID: 2417128). Invitae Evidence Modeling of protein sequence and biophysical properties (such as structural, functional, and spatial information, amino acid conservation, physicochemical variation, residue mobility, and thermodynamic stability) indicates that this missense variant is not expected to disrupt COL7A1 protein function with a negative predictive value of 95%. In summary, the available evidence is currently insufficient to determine the role of this variant in disease. Therefore, it has been classified as a Variant of Uncertain Significance.

NM_000094.4(COL7A1):c.2908G>A (p.Asp970Asn)

Gene: COL7A1 (collagen type VII alpha 1 chain; minus strand). Cytogenetic location: 3p21.31.
Variant type: single nucleotide variant.
Coding change: c.2908G>A on transcript NM_000094.4 (MANE Select); coding-DNA position 2908, G replaced by A.
Protein change: p.Asp970Asn; replaces aspartic acid 970 with asparagine.
Molecular consequence: missense variant.
Genome position (GRCh38, 1-based): chr3:48,587,504, C>T on the plus strand (G>A on the coding strand, the complement: COL7A1 is on the minus strand). VCF-style: chr3-48587504-C-T. GRCh37 (hg19) VCF-style: chr3-48624937-C-T.
Other names: short protein forms D970N.
Identifiers: ClinVar variation 2417128 (VCV002417128.4), dbSNP rs774354465, ClinGen allele CA2380698.
Genomic context (GRCh38, chr3:48,587,504, plus strand): 5'-GCCAGGATAGGATGTAGCTGGATGCCCTGGACACTGGAGTCCAGGCCAAAGTCACCGAGT[C>T]GATCGAGGTGTCCACCACACGTAGTTCAATGCTTGGAACACGAGGTGACTCTGAAGGAGG-3'
Protein context (NP_000085.1, residues 960-980): IELRVVDTSI[Asp970Asn]SVTLAWTPVS